The following is an entry in ClinVar:

ClinVar aggregate classification (germline): Uncertain significance (1 of 4 stars; one submission).

Allele frequency attached by ClinVar (database versions not stated): gnomAD exomes below 0.00001 and 0.00001; TOPMed 0.00001.

Submission:

Labcorp Genetics (formerly Invitae), Labcorp
Classification: Uncertain significance. Last evaluated: 2024-01-31. Review status: criteria provided, single submitter. Criteria: Invitae Variant Classification Sherloc (09022015). Collection method: clinical testing. Allele origin: germline.
Comment: This sequence change replaces methionine, which is neutral and non-polar, with threonine, which is neutral and polar, at codon 123 of the PAFAH1B1 protein (p.Met123Thr). This variant is present in population databases (no rsID available, gnomAD 0.0009%). This variant has not been reported in the literature in individuals affected with PAFAH1B1-related conditions. ClinVar contains an entry for this variant (Variation ID: 1375706). An algorithm developed to predict the effect of missense changes on protein structure and function (PolyPhen-2) suggests that this variant is likely to be disruptive. In summary, the available evidence is currently insufficient to determine the role of this variant in disease. Therefore, it has been classified as a Variant of Uncertain Significance.

NM_000430.4(PAFAH1B1):c.368T>C (p.Met123Thr)

Gene: PAFAH1B1 (platelet activating factor acetylhydrolase 1b regulatory subunit 1; plus strand). Cytogenetic location: 17p13.3.
Variant type: single nucleotide variant.
Coding change: c.368T>C on transcript NM_000430.4 (MANE Select); coding-DNA position 368, T replaced by C.
Protein change: p.Met123Thr; replaces methionine 123 with threonine.
Molecular consequence: missense variant.
Genome position (GRCh38, 1-based): chr17:2,667,167, T>C. VCF-style: chr17-2667167-T-C. GRCh37 (hg19) VCF-style: chr17-2570461-T-C.
Other names: short protein forms M123T.
Identifiers: ClinVar variation 1375706 (VCV001375706.6), dbSNP rs1334642659, ClinGen allele CA397639109.